The following is an entry in ClinVar:

ClinVar aggregate classification (germline): Uncertain significance. Review status: criteria provided, multiple submitters, no conflicts (2 of 4 stars). 2 submissions from 2 submitters: Uncertain significance (2). Last evaluated 2021-04-12.

Conditions:
Hearing impairment. Also called: Impaired Hearing. Identifiers: MedGen C1384666, MONDO:0005365, HP:0000365.

Allele frequency attached by ClinVar (database versions not stated): gnomAD exomes 0.00004; TOPMed 0.00004; ExAC 0.00006; gnomAD 0.00006 and 0.00007.
gnomAD v4.1: 168 of 1,614,050 alleles (0.01%); highest among the groups gnomAD compares: Non-Finnish European, 0.013%; no homozygotes.

Submissions (2):

Department of Otolaryngology – Head & Neck Surgery, Cochlear Implant Center
Classification: Uncertain significance for Hearing impairment. Last evaluated: 2021-04-12. Review status: criteria provided, single submitter. Criteria: ClinGen HL ACMG Specifications v1. Collection method: clinical testing. Allele origin: germline. Affected: yes.
Comment: PM2_Moderate, PP3_Supporting

Eurofins Ntd Llc (ga)
Classification: Uncertain significance. Last evaluated: 2018-09-06. Review status: criteria provided, single submitter. Criteria: EGL ClinVar v180209 classification definitions. Collection method: clinical testing. Allele origin: germline. Observed: 1 variant allele, 1 heterozygote.

NM_198999.3(SLC26A5):c.775G>A (p.Val259Met)

Gene: SLC26A5 (solute carrier family 26 member 5; minus strand). Cytogenetic location: 7q22.1.
Variant type: single nucleotide variant.
Coding change: c.775G>A on transcript NM_198999.3 (MANE Select); coding-DNA position 775, G replaced by A.
Protein change: p.Val259Met; replaces valine 259 with methionine.
Molecular consequence: missense variant. On other transcripts: non-coding transcript variant (4).
Genome position (GRCh38, 1-based): chr7:103,407,964, C>T on the plus strand (G>A on the coding strand, the complement: SLC26A5 is on the minus strand). VCF-style: chr7-103407964-C-T. GRCh37 (hg19) VCF-style: chr7-103048411-C-T.
Other names: c.775G>A, p.Val259Met (NM_001167962.2, NM_001321787.2, NM_206883.3 and 2 more transcripts); short protein forms V259M.
Identifiers: ClinVar variation 358353 (VCV000358353.8), dbSNP rs765458806, ClinGen allele CA4419694.